The following is an entry in ClinVar:

ClinVar aggregate classification (germline): Uncertain significance (1 of 4 stars; one submission).

Conditions:
Cardiovascular phenotype. Identifiers: MedGen CN230736.

Submission:

Ambry Genetics
Classification: Uncertain significance for Cardiovascular phenotype. Last evaluated: 2023-12-31. Review status: criteria provided, single submitter. Criteria: Ambry Variant Classification Scheme 2023. Collection method: clinical testing. Allele origin: germline.
Comment: The p.A108S variant (also known as c.322G>T), located in coding exon 8 of the TNNT2 gene, results from a G to T substitution at nucleotide position 322. The alanine at codon 108 is replaced by serine, an amino acid with similar properties. This amino acid position is conserved. In addition, the in silico prediction for this alteration is inconclusive. Since supporting evidence is limited at this time, the clinical significance of this alteration remains unclear.

NM_001276345.2(TNNT2):c.352G>T (p.Ala118Ser)

Gene: TNNT2 (troponin T2, cardiac type; minus strand). Cytogenetic location: 1q32.1.
Variant type: single nucleotide variant.
Coding change: c.352G>T on transcript NM_001276345.2 (MANE Select); coding-DNA position 352, G replaced by T.
Protein change: p.Ala118Ser; replaces alanine 118 with serine.
Molecular consequence: missense variant. On other transcripts: intron variant (1).
Genome position (GRCh38, 1-based): chr1:201,365,250, C>A on the plus strand (G>T on the coding strand, the complement: TNNT2 is on the minus strand). VCF-style: chr1-201365250-C-A. GRCh37 (hg19) VCF-style: chr1-201334378-C-A.
Other names: c.352G>T, p.Ala118Ser (NM_000364.4, NM_001406723.1); c.322G>T, p.Ala108Ser (NM_001001430.3, NM_001001431.3, NM_001276347.2 and 3 more transcripts); c.307G>T, p.Ala103Ser (NM_001001432.3, NM_001406728.1); c.319G>T, p.Ala107Ser (NM_001406725.1); c.291+360G>T (NM_001276346.2); short protein forms A103S, A107S, A108S, A118S.
Identifiers: ClinVar variation 3232327 (VCV003232327.1), dbSNP rs2527015384, ClinGen allele CA344206392.